The following is an entry in ClinVar:

ClinVar aggregate classification (germline): Uncertain significance (1 of 4 stars; one submission).

Submission:

Labcorp Genetics (formerly Invitae), Labcorp
Classification: Uncertain significance. Last evaluated: 2023-08-18. Review status: criteria provided, single submitter. Criteria: Invitae Variant Classification Sherloc (09022015). Collection method: clinical testing. Allele origin: unknown.
Comment: In summary, the available evidence is currently insufficient to determine the role of this variant in disease. Therefore, it has been classified as a Variant of Uncertain Significance. Experimental studies and prediction algorithms are not available or were not evaluated, and the functional significance of this variant is currently unknown. This variant has not been reported in the literature in individuals affected with ADGRE2-related conditions. This variant is a gross deletion of the genomic region encompassing exon(s) 3-5 of the ADGRE2 gene. This variant would be expected to be in-frame, preserving the integrity of the reading frame.

NC_000019.9:g.(?_14883134)_(14885138_?)del

Gene: ADGRE2 (adhesion G protein-coupled receptor E2; minus strand). Cytogenetic location: 19p13.12.
Variant type: Deletion.
Identifiers: ClinVar variation 3242692 (VCV003242692.1).